The following is an entry in ClinVar:

NM_024105.4(ALG12):c.768+4_768+5insA

Gene: ALG12 (ALG12 alpha-1,6-mannosyltransferase; minus strand). Cytogenetic location: 22q13.33.
Variant type: Insertion.
Coding change: c.768+4_768+5insA on transcript NM_024105.4 (MANE Select); bases 4 to 5 of the intron after coding-DNA position 768, A inserted.
Molecular consequence: intron variant.
Genome position: GRCh38 VCF-style: chr22-49909239-G-GT. GRCh37 (hg19) VCF-style: chr22-50302887-G-GT.
Identifiers: ClinVar variation 1413143 (VCV001413143.6), dbSNP rs2146606463, ClinGen allele CA2573158224.
Genomic context (GRCh38, chr22:49,909,239, plus strand): 5'-GGAGGCCCAGGAGATGTGGCTGCAGGTCCCACCCATCGCCCTCCTGCACGGACACTGAAG[G>GT]ATACCCCCCAGTTGGAGCTTTTGTTCAGGACAGTGTTGTACCAAAGCACCTTTCCTTCCG-3'

ClinVar aggregate classification (germline): Uncertain significance (1 of 4 stars; one submission).

Conditions:
ALG12-congenital disorder of glycosylation (CDG1G). Also called: ALG12-CDG; Congenital disorder of glycosylation, type Ig; CDG Ig. Identifiers: Orphanet 79324, MedGen C2931001, MONDO:0011783, OMIM 607143.

Submission:

Labcorp Genetics (formerly Invitae), Labcorp
Classification: Uncertain significance for ALG12-congenital disorder of glycosylation. Last evaluated: 2022-07-12. Review status: criteria provided, single submitter. Criteria: Invitae Variant Classification Sherloc (09022015). Collection method: clinical testing. Allele origin: germline.
Comment: This sequence change falls in intron 6 of the ALG12 gene. It does not directly change the encoded amino acid sequence of the ALG12 protein. It affects a nucleotide within the consensus splice site. In summary, the available evidence is currently insufficient to determine the role of this variant in disease. Therefore, it has been classified as a Variant of Uncertain Significance. Variants that disrupt the consensus splice site are a relatively common cause of aberrant splicing (PMID: 17576681, 9536098). Algorithms developed to predict the effect of sequence changes on RNA splicing suggest that this variant may disrupt the consensus splice site. ClinVar contains an entry for this variant (Variation ID: 1413143). This variant has not been reported in the literature in individuals affected with ALG12-related conditions. This variant is not present in population databases (gnomAD no frequency).

Literature cited by the submitters: PubMed 17576681; PubMed 9536098.